The following is an entry in ClinVar:

ClinVar aggregate classification (germline): Uncertain significance. Review status: criteria provided, multiple submitters, no conflicts (2 of 4 stars). 3 submissions from 3 submitters: Uncertain significance (3). Last evaluated 2025-09-26.

Conditions:
Autosomal recessive nonsyndromic hearing loss 66 (DFNB66). Also called: Deafness, autosomal recessive 66. Identifiers: Orphanet 90636, MedGen C1857750, MONDO:0012442, OMIM 610212.
Isolated neonatal sclerosing cholangitis (NSC). Also called: Sclerosing cholangitis, neonatal. Identifiers: Orphanet 480556, MedGen C4479344, MONDO:0018816, OMIM 617394.
Inborn genetic diseases. Identifiers: MedGen C0950123, MeSH D030342.

Allele frequency attached by ClinVar (database versions not stated): gnomAD exomes 0.00001.
gnomAD v4.1: 11 of 1,613,744 alleles (0.00068%); highest among the groups gnomAD compares: Non-Finnish European, 0.00085%; no homozygotes.

Submissions (3):

Ambry Genetics
Classification: Uncertain significance for Inborn genetic diseases. Last evaluated: 2025-09-26. Review status: criteria provided, single submitter. Criteria: Ambry Variant Classification Scheme 2023. Collection method: clinical testing. Allele origin: germline.

Labcorp Genetics (formerly Invitae), Labcorp
Classification: Uncertain significance for Autosomal recessive nonsyndromic hearing loss 66; Isolated neonatal sclerosing cholangitis. Last evaluated: 2023-12-21. Review status: criteria provided, single submitter. Criteria: Invitae Variant Classification Sherloc (09022015). Collection method: clinical testing. Allele origin: germline.
Comment: This sequence change replaces asparagine, which is neutral and polar, with serine, which is neutral and polar, at codon 268 of the DCDC2 protein (p.Asn268Ser). This variant is not present in population databases (gnomAD no frequency). This variant has not been reported in the literature in individuals affected with DCDC2-related conditions. ClinVar contains an entry for this variant (Variation ID: 2498997). Advanced modeling of protein sequence and biophysical properties (such as structural, functional, and spatial information, amino acid conservation, physicochemical variation, residue mobility, and thermodynamic stability) performed at Invitae indicates that this missense variant is not expected to disrupt DCDC2 protein function with a negative predictive value of 80%. In summary, the available evidence is currently insufficient to determine the role of this variant in disease. Therefore, it has been classified as a Variant of Uncertain Significance.

CeGaT Center for Human Genetics Tuebingen
Classification: Uncertain significance. Last evaluated: 2023-02-01. Review status: criteria provided, single submitter. Criteria: CeGaT Center For Human Genetics Tuebingen Variant Classification Criteria Version 2. Collection method: clinical testing. Allele origin: germline. Affected: yes. Observed: 1 variant allele.
Comment: DCDC2: PM2, BP4

NM_016356.5(DCDC2):c.803A>G (p.Asn268Ser)

Gene: DCDC2 (doublecortin domain containing 2; minus strand). Cytogenetic location: 6p22.3.
Variant type: single nucleotide variant.
Coding change: c.803A>G on transcript NM_016356.5 (MANE Select); coding-DNA position 803, A replaced by G.
Protein change: p.Asn268Ser; replaces asparagine 268 with serine.
Molecular consequence: missense variant.
Genome position (GRCh38, 1-based): chr6:24,278,168, T>C on the plus strand (A>G on the coding strand, the complement: DCDC2 is on the minus strand). VCF-style: chr6-24278168-T-C. GRCh37 (hg19) VCF-style: chr6-24278396-T-C.
Other names: c.803A>G, p.Asn268Ser (NM_001195610.2); c.803A>G (NM_016356.3); short protein forms N268S.
Identifiers: ClinVar variation 2498997 (VCV002498997.31), dbSNP rs928681863, ClinGen allele CA136634453.
Genomic context (GRCh38, chr6:24,278,168, plus strand): 5'-AGTTTTTCTGAATTCACGTCTTCTTTTTTCCCTTTCCTCTTCAGGGGCTGAGGAGATGAG[T>C]TGTCACTGGATCCAACTGTTGACTTAGAGTGGCGATCATTTCCCTAAATGGCAAAGTATT-3'
Protein context (NP_057440.2, residues 258-278): HSKSTVGSSD[Asn268Ser]SSPQPLKRKG